The following is an entry in ClinVar:

ClinVar aggregate classification (germline): Uncertain significance (1 of 4 stars; one submission).

Conditions:
Familial thoracic aortic aneurysm and aortic dissection (TAAD). Also called: Thoracic aortic aneurysms and dissections. Identifiers: Orphanet 91387, MedGen C4707243, MONDO:0019625.

gnomAD v4.1: 6 of 1,614,158 alleles (0.00037%); highest among the groups gnomAD compares: East Asian, 0.013%; no homozygotes.

Submission:

All of Us Research Program, National Institutes of Health
Classification: Uncertain significance for Familial thoracic aortic aneurysm and aortic dissection. Last evaluated: 2023-05-04. Review status: criteria provided, single submitter. Criteria: ACMG Guidelines, 2015. Collection method: clinical testing. Allele origin: germline. Inheritance: Autosomal dominant inheritance. Observed: 1 variant allele, 1 heterozygote.
Comment: This variant causes an A to T nucleotide substitution at the +3 position of intron 22 of the MYH11 gene. To our knowledge, functional studies have not been reported for this variant. This variant has not been reported in individuals affected with MYH11-related disorders in the literature. This variant has not been identified in the general population by the Genome Aggregation Database (gnomAD). The available evidence is insufficient to determine the role of this variant in disease conclusively. Therefore, this variant is classified as a Variant of Uncertain Significance.

This study involves interpretation of variants in research participants for the purpose of population health screening. Participant phenotype was not available at the time of variant classification. Additional details can be found in publication PMID: 35346344, PMCID: PMC8962531

NM_002474.3(MYH11):c.2652+3A>T

Gene: MYH11 (myosin heavy chain 11; minus strand). Cytogenetic location: 16p13.11.
Variant type: single nucleotide variant.
Coding change: c.2652+3A>T on transcript NM_002474.3 (MANE Select); 3 bases into the intron after coding-DNA position 2652, A replaced by T.
Molecular consequence: intron variant.
Genome position (GRCh38, 1-based): chr16:15,741,757, T>A on the plus strand (A>T on the coding strand, the complement: MYH11 is on the minus strand). VCF-style: chr16-15741757-T-A. GRCh37 (hg19) VCF-style: chr16-15835614-T-A.
Other names: c.2652+3A>T (NM_022844.3); c.2673+3A>T (NM_001040114.2, NM_001040113.2).
Identifiers: ClinVar variation 3070860 (VCV003070860.1), dbSNP rs1480678047, ClinGen allele CA493790819.